The following is an entry in ClinVar:

ClinVar aggregate classification (germline): Likely pathogenic (1 of 4 stars; one submission).

Conditions:
Ataxia - intellectual disability - oculomotor apraxia - cerebellar cysts syndrome. Also called: Poretti-Boltshauser syndrome. Identifiers: Orphanet 370022, MedGen C4014821, MONDO:0014419, OMIM 615960.

Submission:

Centre for Mendelian Genomics, University Medical Centre Ljubljana
Classification: Likely pathogenic for Ataxia - intellectual disability - oculomotor apraxia - cerebellar cysts syndrome. Last evaluated: 2019-07-01. Review status: criteria provided, single submitter. Criteria: ACMG Guidelines, 2015. Collection method: clinical testing. Allele origin: unknown. Affected: yes.
Comment: This variant was classified as: Likely pathogenic. The following ACMG criteria were applied in classifying this variant: PVS1,PM2.

NM_005559.4(LAMA1):c.876_882delinsCATTTA (p.Glu293fs)

Gene: LAMA1 (laminin subunit alpha 1; minus strand). Cytogenetic location: 18p11.31.
Variant type: Indel.
Coding change: c.876_882delinsCATTTA on transcript NM_005559.4 (MANE Select); coding-DNA positions 876 to 882, TGAGCAT replaced by CATTTA.
Protein change: p.Glu293fs; shifts the reading frame from glutamic acid 293.
Molecular consequence: frameshift variant.
Genome position (GRCh38, 1-based): chr18:7,044,816-7,044,822, ATGCTCA replaced by TAAATG on the plus strand (TGAGCAT replaced by CATTTA on the coding strand, the reverse complement: LAMA1 is on the minus strand). VCF-style: chr18-7044816-ATGCTCA-TAAATG. GRCh37 (hg19) VCF-style: chr18-7044815-ATGCTCA-TAAATG.
Other names: short protein forms E293fs.
Identifiers: ClinVar variation 932098 (VCV000932098.3), dbSNP rs2058035458, ClinGen allele CA1139665956.